The following is an entry in ClinVar:

ClinVar aggregate classification (germline): Uncertain significance. Review status: criteria provided, multiple submitters, no conflicts (2 of 4 stars). 3 submissions from 3 submitters: Uncertain significance (2). 1 of the submissions does not count toward it. Last evaluated 2025-04-25.

Conditions:
Hereditary cancer-predisposing syndrome. Also called: Hereditary neoplastic syndrome; Neoplastic Syndromes, Hereditary; Tumor predisposition; Hereditary Cancer Syndrome. Identifiers: Orphanet 140162, MedGen C0027672, MeSH D009386, MONDO:0015356.
Ataxia-telangiectasia syndrome (AT). Also called: LOUIS-BAR SYNDROME; Cerebello-oculocutaneous telangiectasia; Immunodeficiency with ataxia telangiectasia; AT, COMPLEMENTATION GROUP C; Ataxia-telangiectasia, complementation group D; ATAXIA-TELANGIECTASIA, COMPLEMENTATION GROUP A. Identifiers: Orphanet 100, MedGen C0004135, MONDO:0008840, OMIM 208900.

Submissions (3):

Labcorp Genetics (formerly Invitae), Labcorp
Classification: Uncertain significance for Ataxia-telangiectasia syndrome. Last evaluated: 2025-04-25. Review status: criteria provided, single submitter. Criteria: Invitae Variant Classification Sherloc (09022015). Collection method: clinical testing. Allele origin: germline.
Comment: This sequence change replaces arginine, which is basic and polar, with glycine, which is neutral and non-polar, at codon 1619 of the ATM protein (p.Arg1619Gly). This variant is not present in population databases (gnomAD no frequency). This variant has not been reported in the literature in individuals affected with ATM-related conditions. ClinVar contains an entry for this variant (Variation ID: 482551). Invitae Evidence Modeling of protein sequence and biophysical properties (such as structural, functional, and spatial information, amino acid conservation, physicochemical variation, residue mobility, and thermodynamic stability) indicates that this missense variant is not expected to disrupt ATM protein function with a negative predictive value of 95%. In summary, the available evidence is currently insufficient to determine the role of this variant in disease. Therefore, it has been classified as a Variant of Uncertain Significance.

Ambry Genetics
Classification: Uncertain significance for Hereditary cancer-predisposing syndrome. Last evaluated: 2025-04-16. Review status: criteria provided, single submitter. Criteria: Ambry Variant Classification Scheme 2023. Collection method: clinical testing. Allele origin: germline.
Comment: The p.R1619G variant (also known as c.4855A>G), located in coding exon 31 of the ATM gene, results from an A to G substitution at nucleotide position 4855. The arginine at codon 1619 is replaced by glycine, an amino acid with dissimilar properties. This amino acid position is not well conserved in available vertebrate species. In addition, the in silico prediction for this alteration is inconclusive. Since supporting evidence is limited at this time, the clinical significance of this alteration remains unclear.

Natera, Inc.
Classification: Uncertain significance for Ataxia-telangiectasia. Last evaluated: 2020-02-21. Review status: no assertion criteria provided. Collection method: clinical testing. Allele origin: germline. Not counted in ClinVar's aggregate classification.

NM_000051.4(ATM):c.4855A>G (p.Arg1619Gly)

Gene: ATM (ATM serine/threonine kinase; plus strand). Cytogenetic location: 11q22.3.
Variant type: single nucleotide variant.
Coding change: c.4855A>G on transcript NM_000051.4 (MANE Select); coding-DNA position 4855, A replaced by G.
Protein change: p.Arg1619Gly; replaces arginine 1619 with glycine.
Molecular consequence: missense variant.
Genome position (GRCh38, 1-based): chr11:108,295,005, A>G. VCF-style: chr11-108295005-A-G. GRCh37 (hg19) VCF-style: chr11-108165732-A-G.
Other names: c.4855A>G, p.Arg1619Gly (NM_001351834.2); short protein forms R1619G.
Identifiers: ClinVar variation 482551 (VCV000482551.9), dbSNP rs1555101835, ClinGen allele CA382536971.